The following is an entry in ClinVar:

NM_007194.4(CHEK2):c.664A>G (p.Met222Val)

Gene: CHEK2 (checkpoint kinase 2; minus strand). Cytogenetic location: 22q12.1.
Variant type: single nucleotide variant.
Coding change: c.664A>G on transcript NM_007194.4 (MANE Select); coding-DNA position 664, A replaced by G.
Protein change: p.Met222Val; replaces methionine 222 with valine.
Molecular consequence: missense variant. On other transcripts: initiator codon variant (2), intron variant (1).
Genome position (GRCh38, 1-based): chr22:28,719,414, T>C on the plus strand (A>G on the coding strand, the complement: CHEK2 is on the minus strand). VCF-style: chr22-28719414-T-C. GRCh37 (hg19) VCF-style: chr22-29115402-T-C.
Other names: c.793A>G, p.Met265Val (NM_001005735.3, NM_001438294.1); c.1A>G, p.Met1Val (NM_001257387.3, NM_001437942.1); c.757A>G, p.Met253Val (NM_001438293.1, NM_001438295.1); c.664A>G, p.Met222Val (NM_145862.3); c.482+5472A>G (NM_001349956.3); short protein forms M222V, M1V, M265V, M253V.
Identifiers: ClinVar variation 187101 (VCV000187101.20), dbSNP rs786203472, ClinGen allele CA196742.

ClinVar aggregate classification (germline): Conflicting classifications of pathogenicity. Review status: criteria provided, conflicting classifications (1 of 4 stars). 4 submissions from 4 submitters: Uncertain significance (3); Likely benign (1). Last evaluated 2025-08-24.

Conditions:
Hereditary cancer-predisposing syndrome. Also called: Neoplastic Syndromes, Hereditary; Tumor predisposition; Hereditary Cancer Syndrome; Hereditary neoplastic syndrome. Identifiers: Orphanet 140162, MedGen C0027672, MeSH D009386, MONDO:0015356.
Familial cancer of breast. Also called: BREAST CANCER, FAMILIAL; Hereditary breast cancer; hereditary breast carcinoma. Identifiers: Orphanet 227535, MedGen C0346153, MONDO:0016419, OMIM 114480. Disease mechanism: loss of function.

Allele frequency attached by ClinVar (database versions not stated): gnomAD exomes 0.00001.
gnomAD v4.1: 11 of 1,589,002 alleles (0.00069%); highest among the groups gnomAD compares: Non-Finnish European, 0.00086%; no homozygotes.

Submissions (4):

Labcorp Genetics (formerly Invitae), Labcorp
Classification: Uncertain significance for Familial cancer of breast. Last evaluated: 2025-08-24. Review status: criteria provided, single submitter. Criteria: Invitae Variant Classification Sherloc (09022015). Collection method: clinical testing. Allele origin: germline.
Comment: This sequence change replaces methionine, which is neutral and non-polar, with valine, which is neutral and non-polar, at codon 222 of the CHEK2 protein (p.Met222Val). This variant is not present in population databases (gnomAD no frequency). This variant has not been reported in the literature in individuals affected with CHEK2-related conditions. ClinVar contains an entry for this variant (Variation ID: 187101). An algorithm developed to predict the effect of missense changes on protein structure and function outputs the following: PolyPhen-2: "Benign". The valine amino acid residue is found in multiple mammalian species, which suggests that this missense change does not adversely affect protein function. In summary, the available evidence is currently insufficient to determine the role of this variant in disease. Therefore, it has been classified as a Variant of Uncertain Significance.

Ambry Genetics
Classification: Likely benign for Hereditary cancer-predisposing syndrome. Last evaluated: 2025-03-24. Review status: criteria provided, single submitter. Criteria: Ambry Variant Classification Scheme 2023. Collection method: clinical testing. Allele origin: germline.

GeneDx
Classification: Uncertain significance. Last evaluated: 2022-02-02. Review status: criteria provided, single submitter. Criteria: GeneDx Variant Classification Process June 2021. Collection method: clinical testing. Allele origin: germline. Affected: yes.
Comment: Published functional studies demonstrate no damaging effect: cell growth and proliferation similar to wild-type in response to DNA damage (Delimitsou 2019); In silico analysis supports that this missense variant does not alter protein structure/function; Not observed at significant frequency in large population cohorts (gnomAD); This variant is associated with the following publications: (PMID: 22419737, 19782031, 30851065)

Color Diagnostics, LLC DBA Color Health
Classification: Uncertain significance for Hereditary cancer-predisposing syndrome. Last evaluated: 2021-07-27. Review status: criteria provided, single submitter. Criteria: ACMG Guidelines, 2015. Collection method: clinical testing. Allele origin: germline.
Comment: This missense variant replaces methionine with valine at codon 222 of the CHEK2 protein. Computational prediction suggests that this variant may not impact protein structure and function (internally defined REVEL score threshold <= 0.5, PMID: 27666373). A functional study has shown that this variant does not adversely affect CHEK2 protein function in a complementation assay in yeast (PMID: 30851065). This variant has not been reported in individuals affected with hereditary cancer in the literature. This variant has not been identified in the general population by the Genome Aggregation Database (gnomAD). The available evidence is insufficient to determine the role of this variant in disease conclusively. Therefore, this variant is classified as a Variant of Uncertain Significance.

Literature cited by the submitters: PubMed 28779002 (cited by Ambry Genetics); PubMed 30851065 (cited by Ambry Genetics); PubMed 37449874 (cited by Ambry Genetics).